The following is an entry in ClinVar:

NM_001267550.2(TTN):c.93876T>C (p.Asn31292=)

Genes: TTN (titin; minus strand), TTN-AS1 (TTN antisense RNA 1; plus strand). Cytogenetic location: 2q31.2.
Variant type: single nucleotide variant.
Coding change: c.93876T>C on transcript NM_001267550.2 (MANE Select); coding-DNA position 93876, T replaced by C.
Protein change: p.Asn31292=; no amino-acid change (asparagine 31292 retained).
Molecular consequence: synonymous variant.
Genome position (GRCh38, 1-based): chr2:178,547,750, A>G on the plus strand (T>C on the coding strand, the complement: TTN is on the minus strand). VCF-style: chr2-178547750-A-G. GRCh37 (hg19) VCF-style: chr2-179412477-A-G.
Other names: c.88953T>C, p.Asn29651= (NM_001256850.1); c.66681T>C, p.Asn22227= (NM_003319.4); c.86172T>C, p.Asn28724= (NM_133378.4); c.67056T>C, p.Asn22352= (NM_133432.3); c.67257T>C, p.Asn22419= (NM_133437.4).
Identifiers: ClinVar variation 2926469 (VCV002926469.4), dbSNP rs759767298, ClinGen allele CA1987231.
Genomic context (GRCh38, chr2:178,547,750, plus strand): 5'-TACTGGACCTGGCCTTCCAATGACCACAACTGTGACGCTAAATGTTTTAACACCAGCTGT[A>G]TTTTCCAGGGTCAAGAAGTATCTTCCAGAGTCACCTCTCATGCTGTCCTTTACAGTCAGT-3'
Protein context (NP_001254479.2, residues 31282-31302): DSGRYFLTLE[Asn31292=]TAGVKTFSVT

ClinVar aggregate classification (germline): Likely benign. Review status: criteria provided, multiple submitters, no conflicts (2 of 4 stars). 2 submissions from 2 submitters: Likely benign (2). Last evaluated 2026-08-01.

Conditions:
Dilated cardiomyopathy 1G (CMD1G). Identifiers: Orphanet 154, MedGen C1858763, MONDO:0011400, OMIM 604145.
Autosomal recessive limb-girdle muscular dystrophy type 2J (LGMDR10). Also called: MUSCULAR DYSTROPHY, LIMB-GIRDLE, AUTOSOMAL RECESSIVE 10; Limb-girdle muscular dystrophy, type 2J. Identifiers: Orphanet 140922, MedGen C1837342, MONDO:0012127, OMIM 608807.

Allele frequency attached by ClinVar (database versions not stated): gnomAD exomes below 0.00001; gnomAD 0.00001; TOPMed 0.00001; ExAC 0.00002.
gnomAD v4.1: 7 of 1,613,714 alleles (0.00043%); highest among the groups gnomAD compares: East Asian, 0.0022%; no homozygotes.

Submissions (2):

CeGaT Center for Human Genetics Tuebingen
Classification: Likely benign. Last evaluated: 2026-08-01. Review status: criteria provided, single submitter. Criteria: CeGaT Center For Human Genetics Tuebingen Variant Classification Criteria Version 2. Collection method: clinical testing. Allele origin: germline. Affected: yes. Observed: 1 variant allele.
Comment: TTN: BP4, BP7

Labcorp Genetics (formerly Invitae), Labcorp
Classification: Likely benign for Dilated cardiomyopathy 1G; Autosomal recessive limb-girdle muscular dystrophy type 2J. Last evaluated: 2024-03-13. Review status: criteria provided, single submitter. Criteria: Invitae Variant Classification Sherloc (09022015). Collection method: clinical testing. Allele origin: germline.